The following is an entry in ClinVar:

ClinVar aggregate classification (germline): Uncertain significance (1 of 4 stars; one submission).

Conditions:
Acute myeloid leukemia (AML). Also called: Leukemia, acute myeloid, somatic; Leukemia, acute myelogenous, somatic; Acute myeloid leukemia, adult; AML adult; Acute non-lymphocytic leukemia; Acute granulocytic leukemia. Identifiers: Orphanet 519, MedGen C0023467, MeSH D015470, MONDO:0018874, OMIM 601626, HP:0004808. Disease mechanism: Constitutively activated FLT3.

Submission:

Labcorp Genetics (formerly Invitae), Labcorp
Classification: Uncertain significance for Acute myeloid leukemia. Last evaluated: 2020-02-26. Review status: criteria provided, single submitter. Criteria: Invitae Variant Classification Sherloc (09022015). Collection method: clinical testing. Allele origin: germline.
Comment: This sequence change replaces leucine with proline at codon 139 of the CEBPA protein (p.Leu139Pro). The leucine residue is moderately conserved and there is a moderate physicochemical difference between leucine and proline. The frequency data for this variant in the population databases is considered unreliable, as metrics indicate insufficient coverage at this position in the ExAC database. This variant has not been reported in the literature in individuals with CEBPA-related conditions. Algorithms developed to predict the effect of missense changes on protein structure and function are either unavailable or do not agree on the potential impact of this missense change (SIFT: "Deleterious"; PolyPhen-2: "Benign"; Align-GVGD: "Class C0"). In summary, the available evidence is currently insufficient to determine the role of this variant in disease. Therefore, it has been classified as a Variant of Uncertain Significance.

NM_004364.5(CEBPA):c.416T>C (p.Leu139Pro)

Gene: CEBPA (CCAAT enhancer binding protein alpha; minus strand). Cytogenetic location: 19q13.11.
Variant type: single nucleotide variant.
Coding change: c.416T>C on transcript NM_004364.5 (MANE Select); coding-DNA position 416, T replaced by C.
Protein change: p.Leu139Pro; replaces leucine 139 with proline.
Molecular consequence: missense variant.
Genome position (GRCh38, 1-based): chr19:33,301,999, A>G on the plus strand (T>C on the coding strand, the complement: CEBPA is on the minus strand). VCF-style: chr19-33301999-A-G. GRCh37 (hg19) VCF-style: chr19-33792905-A-G.
Other names: c.59T>C, p.Leu20Pro (NM_001285829.2); c.521T>C, p.Leu174Pro (NM_001287424.2); c.374T>C, p.Leu125Pro (NM_001287435.2); short protein forms L125P, L139P, L174P, L20P.
Identifiers: ClinVar variation 1059405 (VCV001059405.9), dbSNP rs2145262262, ClinGen allele CA405275000.